The following is an entry in ClinVar:

ClinVar aggregate classification (germline): Uncertain significance (1 of 4 stars; one submission).

Conditions:
Combined immunodeficiency due to DOCK8 deficiency (HIES2). Also called: HIES autosomal recessive; Hyper-IgE recurrent infection syndrome, autosomal recessive; HYPER-IgE RECURRENT INFECTION SYNDROME 2, AUTOSOMAL RECESSIVE; HYPER-IgE SYNDROME 2, AUTOSOMAL RECESSIVE, WITH RECURRENT INFECTIONS; DOCK8 Deficiency. Identifiers: Orphanet 217390, MedGen C4722305, MONDO:0009478, OMIM 243700.

Submission:

Labcorp Genetics (formerly Invitae), Labcorp
Classification: Uncertain significance for Combined immunodeficiency due to DOCK8 deficiency. Last evaluated: 2023-11-07. Review status: criteria provided, single submitter. Criteria: Invitae Variant Classification Sherloc (09022015). Collection method: clinical testing. Allele origin: germline.
Comment: This sequence change replaces proline, which is neutral and non-polar, with alanine, which is neutral and non-polar, at codon 173 of the DOCK8 protein (p.Pro173Ala). This variant is not present in population databases (gnomAD no frequency). This variant has not been reported in the literature in individuals affected with DOCK8-related conditions. Advanced modeling of protein sequence and biophysical properties (such as structural, functional, and spatial information, amino acid conservation, physicochemical variation, residue mobility, and thermodynamic stability) performed at Invitae indicates that this missense variant is not expected to disrupt DOCK8 protein function with a negative predictive value of 80%. In summary, the available evidence is currently insufficient to determine the role of this variant in disease. Therefore, it has been classified as a Variant of Uncertain Significance.

NM_203447.4(DOCK8):c.517C>G (p.Pro173Ala)

Gene: DOCK8 (dedicator of cytokinesis 8; plus strand). Cytogenetic location: 9p24.3.
Variant type: single nucleotide variant.
Coding change: c.517C>G on transcript NM_203447.4 (MANE Select); coding-DNA position 517, C replaced by G.
Protein change: p.Pro173Ala; replaces proline 173 with alanine.
Molecular consequence: missense variant.
Genome position (GRCh38, 1-based): chr9:304,693, C>G. VCF-style: chr9-304693-C-G. GRCh37 (hg19) VCF-style: chr9-304693-C-G.
Other names: c.313C>G, p.Pro105Ala (NM_001190458.2, NM_001193536.2); short protein forms P105A, P173A.
Identifiers: ClinVar variation 2694240 (VCV002694240.3), dbSNP rs1458913430, ClinGen allele CA372758971.